The following is an entry in ClinVar:

ClinVar aggregate classification (germline): Uncertain significance. Review status: criteria provided, multiple submitters, no conflicts (2 of 4 stars). 2 submissions from 2 submitters: Uncertain significance (2). Last evaluated 2025-01-05.

Conditions:
Inborn genetic diseases. Identifiers: MedGen C0950123, MeSH D030342.
Baller-Gerold syndrome (BGS). Also called: CRANIOSYNOSTOSIS WITH RADIAL DEFECTS. Identifiers: Orphanet 1225, MedGen C0265308, MONDO:0009039, OMIM 218600.

Allele frequency attached by ClinVar (database versions not stated): gnomAD exomes below 0.00001; TOPMed 0.00002.
gnomAD v4.1: 5 of 1,580,214 alleles (0.00032%); highest among the groups gnomAD compares: Non-Finnish European, 0.00034%; no homozygotes.

Submissions (2):

Ambry Genetics
Classification: Uncertain significance for Inborn genetic diseases. Last evaluated: 2025-01-05. Review status: criteria provided, single submitter. Criteria: Ambry Variant Classification Scheme 2023. Collection method: clinical testing. Allele origin: germline.
Comment: The p.G892E variant (also known as c.2675G>A), located in coding exon 15 of the RECQL4 gene, results from a G to A substitution at nucleotide position 2675. The glycine at codon 892 is replaced by glutamic acid, an amino acid with similar properties. This amino acid position is conserved. In addition, this alteration is predicted to be tolerated by in silico analysis. Based on the available evidence, the clinical significance of this variant remains unclear.

Labcorp Genetics (formerly Invitae), Labcorp
Classification: Uncertain significance for Baller-Gerold syndrome. Last evaluated: 2023-12-08. Review status: criteria provided, single submitter. Criteria: Invitae Variant Classification Sherloc (09022015). Collection method: clinical testing. Allele origin: germline.
Comment: This sequence change replaces glycine, which is neutral and non-polar, with glutamic acid, which is acidic and polar, at codon 892 of the RECQL4 protein (p.Gly892Glu). The frequency data for this variant in the population databases is considered unreliable, as metrics indicate poor data quality at this position in the gnomAD database. This variant has not been reported in the literature in individuals affected with RECQL4-related conditions. ClinVar contains an entry for this variant (Variation ID: 949728). Advanced modeling of protein sequence and biophysical properties (such as structural, functional, and spatial information, amino acid conservation, physicochemical variation, residue mobility, and thermodynamic stability) performed at Invitae indicates that this missense variant is not expected to disrupt RECQL4 protein function with a negative predictive value of 80%. In summary, the available evidence is currently insufficient to determine the role of this variant in disease. Therefore, it has been classified as a Variant of Uncertain Significance.

NM_004260.4(RECQL4):c.2675G>A (p.Gly892Glu)

Gene: RECQL4 (RecQ like helicase 4; minus strand). Cytogenetic location: 8q24.3.
Variant type: single nucleotide variant.
Coding change: c.2675G>A on transcript NM_004260.4 (MANE Select); coding-DNA position 2675, G replaced by A.
Protein change: p.Gly892Glu; replaces glycine 892 with glutamic acid.
Molecular consequence: missense variant.
Genome position (GRCh38, 1-based): chr8:144,512,927, C>T on the plus strand (G>A on the coding strand, the complement: RECQL4 is on the minus strand). VCF-style: chr8-144512927-C-T. GRCh37 (hg19) VCF-style: chr8-145738310-C-T.
Other names: short protein forms G892E.
Identifiers: ClinVar variation 949728 (VCV000949728.5), dbSNP rs1461172672, ClinGen allele CA372675384.